The following is an entry in ClinVar:

ClinVar aggregate classification (germline): Uncertain significance (1 of 4 stars; one submission).

Allele frequency attached by ClinVar (database versions not stated): TOPMed 0.00001.

Submission:

Labcorp Genetics (formerly Invitae), Labcorp
Classification: Uncertain significance. Last evaluated: 2022-10-08. Review status: criteria provided, single submitter. Criteria: Invitae Variant Classification Sherloc (09022015). Collection method: clinical testing. Allele origin: germline.
Comment: This sequence change replaces glycine, which is neutral and non-polar, with cysteine, which is neutral and slightly polar, at codon 261 of the RP2 protein (p.Gly261Cys). This variant is present in population databases (no rsID available, gnomAD 0.001%), including at least one homozygous and/or hemizygous individual. This variant has not been reported in the literature in individuals affected with RP2-related conditions. Advanced modeling of protein sequence and biophysical properties (such as structural, functional, and spatial information, amino acid conservation, physicochemical variation, residue mobility, and thermodynamic stability) has been performed at Invitae for this missense variant, however the output from this modeling did not meet the statistical confidence thresholds required to predict the impact of this variant on RP2 protein function. In summary, the available evidence is currently insufficient to determine the role of this variant in disease. Therefore, it has been classified as a Variant of Uncertain Significance.

NM_006915.3(RP2):c.781G>T (p.Gly261Cys)

Gene: RP2 (RP2 activator of ARL3 GTPase; plus strand). Cytogenetic location: Xp11.3.
Variant type: single nucleotide variant.
Coding change: c.781G>T on transcript NM_006915.3 (MANE Select); coding-DNA position 781, G replaced by T.
Protein change: p.Gly261Cys; replaces glycine 261 with cysteine.
Molecular consequence: missense variant.
Genome position (GRCh38, 1-based): chrX:46,860,000, G>T. VCF-style: chrX-46860000-G-T. GRCh37 (hg19) VCF-style: chrX-46719435-G-T.
Other names: short protein forms G261C.
Identifiers: ClinVar variation 1721282 (VCV001721282.3), dbSNP rs1334429973, ClinGen allele CA413040717.